The following is an entry in ClinVar:

ClinVar aggregate classification (germline): Uncertain significance. Review status: criteria provided, multiple submitters, no conflicts (2 of 4 stars). 6 submissions from 6 submitters: Uncertain significance (5). 1 of the submissions does not count toward it. Last evaluated 2025-11-17.

Conditions:
LRP5-related disorder. Also called: LRP5-related condition.
Autosomal dominant osteopetrosis 1 (OPTA1). Also called: OSTEOPETROSIS, AUTOSOMAL DOMINANT, TYPE I. Identifiers: Orphanet 2783, MedGen C1843330, MONDO:0011877, OMIM 607634.
Worth disease. Also called: ENDOSTEAL HYPEROSTOSIS, AUTOSOMAL DOMINANT; OSTEOSCLEROSIS, AUTOSOMAL DOMINANT; Autosomal dominant osteosclerosis, Worth type. Identifiers: Orphanet 2790, MedGen C0432273, MONDO:0007764, OMIM 144750.
Polycystic liver disease 4 with or without kidney cysts. Identifiers: MedGen C4693479, MONDO:0044327, OMIM 617875.
Exudative vitreoretinopathy 4 (EVR4). Identifiers: Orphanet 891, MedGen C1866176, MONDO:0011151, OMIM 601813.
Osteoporosis with pseudoglioma (OPPG). Also called: osteoporosis-pseudoglioma syndrome. Identifiers: Orphanet 2788, MedGen C0432252, MONDO:0009820, OMIM 259770.
Bone mineral density quantitative trait locus 1 (BMND1). Identifiers: MedGen C1866079, OMIM 601884.
Autosomal dominant polycystic liver disease. Also called: Congenital cystic disease of liver; Polycystic liver disease. Identifiers: Orphanet 2924, MedGen C0158683, MONDO:0000447, HP:0006557.

Allele frequency attached by ClinVar (database versions not stated): ExAC 0.00003; gnomAD 0.00003 and 0.00004; TOPMed 0.00003; gnomAD exomes 0.00005 and 0.00006.
gnomAD v4.1: 81 of 1,613,790 alleles (0.005%); highest among the groups gnomAD compares: South Asian, 0.03%; no homozygotes.

Submissions (6):

Labcorp Genetics (formerly Invitae), Labcorp
Classification: Uncertain significance. Last evaluated: 2025-11-17. Review status: criteria provided, single submitter. Criteria: Invitae Variant Classification Sherloc (09022015). Collection method: clinical testing. Allele origin: germline.
Comment: This sequence change replaces proline, which is neutral and non-polar, with leucine, which is neutral and non-polar, at codon 1423 of the LRP5 protein (p.Pro1423Leu). This variant is present in population databases (rs748143518, gnomAD 0.03%). This missense change has been observed in individual(s) with familial exudative vitreoretinopathy (PMID: 30452590). ClinVar contains an entry for this variant (Variation ID: 951120). Invitae Evidence Modeling of protein sequence and biophysical properties (such as structural, functional, and spatial information, amino acid conservation, physicochemical variation, residue mobility, and thermodynamic stability) indicates that this missense variant is not expected to disrupt LRP5 protein function with a negative predictive value of 95%. In summary, the available evidence is currently insufficient to determine the role of this variant in disease. Therefore, it has been classified as a Variant of Uncertain Significance.

PreventionGenetics, part of Exact Sciences
Classification: Uncertain significance for LRP5-related condition. Last evaluated: 2025-11-06. Review status: criteria provided, single submitter. Criteria: ACMG Guidelines, 2015. Collection method: clinical testing. Allele origin: germline.
Comment: The LRP5 c.4268C>T variant is predicted to result in the amino acid substitution p.Pro1423Leu. This variant has been reported in the heterozygous state in two individuals with familial exudative vitreoretinopathy, but did not segregate with disease in one family (FEVR; Li et al. 2018. PubMed ID: 30452590; supplementary data, Chen et al. 2022. PubMed ID: 36018796). This variant is reported in 0.033% of alleles in individuals of South Asian descent in gnomAD. At this time, the clinical significance of this variant is uncertain due to the absence of conclusive functional and genetic evidence.

Dasa
Classification: Uncertain significance. Last evaluated: 2025-06-28. Review status: criteria provided, single submitter. Criteria: DASA Assertion Criteria. Collection method: clinical testing. Allele origin: germline.
Comment: NM_002335.4(LRP5):c.4268C>T (p.Pro1423Leu) is a missense variant that results in the substitution of proline with leucine. This variant has been observed in affected individuals with LRP5-related disorders. Also, this variant is rare in population databases. The currently available literature and clinical evidence are not sufficient to establish a definitive association between this variant and the reported condition. Therefore, this variant is classified as a variant of uncertain significance.

Fulgent Genetics
Classification: Uncertain significance for Worth disease; Osteoporosis with pseudoglioma; Exudative vitreoretinopathy 4; Bone mineral density quantitative trait locus 1; Autosomal dominant osteopetrosis 1; Polycystic liver disease 4 with or without kidney cysts. Last evaluated: 2024-03-28. Review status: criteria provided, single submitter. Criteria: ACMG Guidelines, 2015. Collection method: clinical testing. Allele origin: germline.

GeneDx
Classification: Uncertain significance. Last evaluated: 2023-09-08. Review status: criteria provided, single submitter. Criteria: GeneDx Variant Classification Process June 2021. Collection method: clinical testing. Allele origin: germline. Affected: yes.
Comment: Observed in trans with another missense variant in the literature in an individual with exudative vitreoretinopathy whose heterozygous parents were reported to be asymptomatic (Li et al., 2018); In silico analysis supports that this missense variant has a deleterious effect on protein structure/function; This variant is associated with the following publications: (PMID: 30452590, 28418496)

Laboratory of Gastroenterology and Hepatology, Radboud University Medical Center
Classification: Likely pathogenic for Autosomal dominant polycystic liver disease. Last evaluated: 2021-09-01. Review status: no assertion criteria provided. Collection method: research. Allele origin: germline. Affected: yes. Not counted in ClinVar's aggregate classification.

Literature cited by the submitters: PubMed 30452590 (cited by Labcorp Genetics (formerly Invitae), Labcorp).

NM_002335.4(LRP5):c.4268C>T (p.Pro1423Leu)

Gene: LRP5 (LDL receptor related protein 5; plus strand). Cytogenetic location: 11q13.2.
Variant type: single nucleotide variant.
Coding change: c.4268C>T on transcript NM_002335.4 (MANE Select); coding-DNA position 4268, C replaced by T.
Protein change: p.Pro1423Leu; replaces proline 1423 with leucine.
Molecular consequence: missense variant.
Genome position (GRCh38, 1-based): chr11:68,438,602, C>T. VCF-style: chr11-68438602-C-T. GRCh37 (hg19) VCF-style: chr11-68206070-C-T.
Other names: c.2525C>T, p.Pro842Leu (NM_001291902.2); c.4268C>T (NM_002335.2); short protein forms P842L, P1423L.
Identifiers: ClinVar variation 951120 (VCV000951120.45), dbSNP rs748143518, ClinGen allele CA6150299.